The following is an entry in ClinVar:

ClinVar aggregate classification (germline): Uncertain significance (1 of 4 stars; one submission).

Submission:

CeGaT Center for Human Genetics Tuebingen
Classification: Uncertain significance. Last evaluated: 2024-02-01. Review status: criteria provided, single submitter. Criteria: CeGaT Center For Human Genetics Tuebingen Variant Classification Criteria Version 2. Collection method: clinical testing. Allele origin: germline. Affected: yes. Observed: 1 variant allele.
Comment: NEXN: PM2:Supporting, BP4

NM_144573.4(NEXN):c.151A>C (p.Arg51=)

Gene: NEXN (nexilin F-actin binding protein; plus strand). Cytogenetic location: 1p31.1.
Variant type: single nucleotide variant.
Coding change: c.151A>C on transcript NM_144573.4 (MANE Select); coding-DNA position 151, A replaced by C.
Protein change: p.Arg51=; no amino-acid change (arginine 51 retained).
Molecular consequence: synonymous variant. On other transcripts: intron variant (1).
Genome position (GRCh38, 1-based): chr1:77,917,689, A>C. VCF-style: chr1-77917689-A-C. GRCh37 (hg19) VCF-style: chr1-78383374-A-C.
Other names: c.28-271A>C (NM_001172309.2).
Identifiers: ClinVar variation 3027233 (VCV003027233.22), dbSNP rs770124387, ClinGen allele CA418571103.